The following is an entry in ClinVar:

NM_000186.4(CFH):c.607_610dup (p.Lys204fs)

Gene: CFH (complement factor H; plus strand). Cytogenetic location: 1q31.3.
Variant type: Duplication.
Coding change: c.607_610dup on transcript NM_000186.4 (MANE Select); coding-DNA positions 607 to 610, 4 bases duplicated (CCAA; older notation c.607_610dupCCAA).
Protein change: p.Lys204fs; shifts the reading frame from lysine 204.
Molecular consequence: frameshift variant.
Genome position (GRCh38, 1-based): chr1:196,677,655-196,677,658, CCAA duplicated; duplicating any 4 consecutive bases within chr1:196,677,653-196,677,658 gives the same sequence; the c. name uses the placement nearest the transcript's 3' end. VCF-style (leftmost placement, unchanged base first): chr1-196677652-A-AAACC. GRCh37 (hg19) VCF-style: chr1-196646782-A-AAACC.
Other names: c.607_610dup, p.Lys204fs (NM_001014975.3); short protein forms K204fs.
Identifiers: ClinVar variation 4291308 (VCV004291308.2).
Genomic context (GRCh38, chr1:196,677,652, plus strand): 5'-TACAAGATTGAAGGAGATGAAGAAATGCATTGTTCAGACGATGGTTTTTGGAGTAAAGAG[A>AAACC]AACCAAAGTGTGTGGGTAAGATACACTTACTGTTTTAGTATTTTTAGCTTTTTAAATGTA-3'

ClinVar aggregate classification (germline): Pathogenic (1 of 4 stars; one submission).

Conditions:
Atypical hemolytic-uremic syndrome. Identifiers: Orphanet 2134, MedGen C2931788, MONDO:0016244.
Age related macular degeneration 4. Identifiers: MedGen C1853147, MONDO:0012540, OMIM 610698.
Basal laminar drusen. Also called: DRUSEN OF BRUCH MEMBRANE; DRUSEN, CUTICULAR; DRUSEN, EARLY ADULT-ONSET, GROUPED. Identifiers: Orphanet 75376, MedGen C0730295, MONDO:0007472, OMIM 126700.
Factor H deficiency (CFHD). Also called: COMPLEMENT FACTOR H DEFICIENCY; CFH DEFICIENCY. Identifiers: Orphanet 200421, MedGen C0398777, MONDO:0012350, OMIM 609814.

Submission:

Genomenon, Inc
Classification: Pathogenic for Age related macular degeneration 4; Atypical hemolytic-uremic syndrome; Factor H deficiency; Basal laminar drusen. Last evaluated: 2026-09-17. Review status: criteria provided, single submitter. Criteria: Genomenon Sequence Variant Interpretation Standards - Updated. Collection method: curation. Allele origin: germline. Affected: yes.
Comment: CFH p.Lys204ThrfsTer26 (c.607_610dup) is a frameshift variant that is predicted to introduce a premature termination codon and result in a truncated or absent protein product. This variant has been observed in at least one proband affected with a CFH-related disorder (PMID: 34508573; 22491393; 36246952; 29888403). The variant was found to segregate with disease in at least one affected family (PMID: 22491393; 36246952). Functional studies have been reported (PMID: 39753135; 34508573). It is absent or not present at a significant frequency in gnomAD. In conclusion, we classify CFH p.Lys204ThrfsTer26 (c.607_610dup) as a pathogenic variant.

Literature cited by the submitters: PubMed 34508573; PubMed 22491393; PubMed 36246952; PubMed 29888403; PubMed 39753135.